The following is an entry in ClinVar:

ClinVar aggregate classification (germline): Uncertain significance (1 of 4 stars; one submission).

Submission:

GeneDx
Classification: Uncertain significance. Last evaluated: 2024-10-09. Review status: criteria provided, single submitter. Criteria: GeneDx Variant Classification Process June 2021. Collection method: clinical testing. Allele origin: germline. Affected: yes.
Comment: Not observed at significant frequency in large population cohorts (gnomAD); In silico analysis supports that this missense variant has a deleterious effect on protein structure/function; Has not been previously published as pathogenic or benign to our knowledge

NM_015557.3(CHD5):c.2344G>A (p.Gly782Arg)

Gene: CHD5 (chromodomain helicase DNA binding protein 5; minus strand). Cytogenetic location: 1p36.31.
Variant type: single nucleotide variant.
Coding change: c.2344G>A on transcript NM_015557.3 (MANE Select); coding-DNA position 2344, G replaced by A.
Protein change: p.Gly782Arg; replaces glycine 782 with arginine.
Molecular consequence: missense variant.
Genome position (GRCh38, 1-based): chr1:6,142,220, C>T on the plus strand (G>A on the coding strand, the complement: CHD5 is on the minus strand). VCF-style: chr1-6142220-C-T. GRCh37 (hg19) VCF-style: chr1-6202280-C-T.
Other names: short protein forms G782R.
Identifiers: ClinVar variation 3781103 (VCV003781103.1).